The following is an entry in ClinVar:

ClinVar aggregate classification (germline): Benign (1 of 4 stars; one submission).

Allele frequency attached by ClinVar (database versions not stated): gnomAD 0.01751 and 0.01860; 1000 Genomes Project 0.01957; TOPMed 0.01980; 1000 Genomes Project 30x 0.02030.
gnomAD v4.1: 2,638 of 152,260 alleles (1.7%); highest among the groups gnomAD compares: African/African-American, 6%; 82 homozygotes.

Submission:

GeneDx
Classification: Benign. Last evaluated: 2018-06-14. Review status: criteria provided, single submitter. Criteria: GeneDx Variant Classification (06012015). Collection method: clinical testing. Allele origin: germline. Affected: yes.
Comment: This variant is considered likely benign or benign based on one or more of the following criteria: it is a conservative change, it occurs at a poorly conserved position in the protein, it is predicted to be benign by multiple in silico algorithms, and/or has population frequency not consistent with disease.

NM_000282.4(PCCA):c.414+276G>T

Gene: PCCA (propionyl-CoA carboxylase subunit alpha; plus strand). Cytogenetic location: 13q32.3.
Variant type: single nucleotide variant.
Coding change: c.414+276G>T on transcript NM_000282.4 (MANE Select); 276 bases into the intron after coding-DNA position 414, G replaced by T.
Molecular consequence: intron variant.
Genome position (GRCh38, 1-based): chr13:100,155,368, G>T. VCF-style: chr13-100155368-G-T. GRCh37 (hg19) VCF-style: chr13-100807622-G-T.
Other names: c.414+276G>T (NM_001178004.2, NM_001352605.2, NM_001352606.2 and 1 more transcripts); c.-453+276G>T (NM_001352610.2, NM_001352611.2, NM_001352612.2); c.336+276G>T (NM_001127692.3, NM_001352607.2, NM_001352608.2).
Identifiers: ClinVar variation 673227 (VCV000673227.1), dbSNP rs77110421, ClinGen allele CA255970840.